The following is an entry in ClinVar:

ClinVar aggregate classification (germline): Uncertain significance. Review status: criteria provided, multiple submitters, no conflicts (2 of 4 stars). 2 submissions from 2 submitters: Uncertain significance (2). Last evaluated 2023-08-23.

Conditions:
Primary ciliary dyskinesia. Also called: Ciliary dyskinesia. Identifiers: Orphanet 244, MedGen C0008780, MONDO:0016575, HP:0012265.

Allele frequency attached by ClinVar (database versions not stated): gnomAD exomes below 0.00001.
gnomAD v4.1: 1 of 1,203,418 alleles (0.000083%); highest among the groups gnomAD compares: Non-Finnish European, 0.00011%; no homozygotes.

Submissions (2):

Labcorp Genetics (formerly Invitae), Labcorp
Classification: Uncertain significance for Primary ciliary dyskinesia. Last evaluated: 2023-08-23. Review status: criteria provided, single submitter. Criteria: Invitae Variant Classification Sherloc (09022015). Collection method: clinical testing. Allele origin: germline.
Comment: In summary, the available evidence is currently insufficient to determine the role of this variant in disease. Therefore, it has been classified as a Variant of Uncertain Significance. Advanced modeling of protein sequence and biophysical properties (such as structural, functional, and spatial information, amino acid conservation, physicochemical variation, residue mobility, and thermodynamic stability) has been performed at Invitae for this missense variant, however the output from this modeling did not meet the statistical confidence thresholds required to predict the impact of this variant on RPGR protein function. This variant has not been reported in the literature in individuals affected with RPGR-related conditions. This variant is not present in population databases (gnomAD no frequency). This sequence change replaces asparagine, which is neutral and polar, with serine, which is neutral and polar, at codon 336 of the RPGR protein (p.Asn336Ser).

Blueprint Genetics
Classification: Uncertain significance. Last evaluated: 2019-10-04. Review status: criteria provided, single submitter. Criteria: ACMG Guidelines, 2015. Collection method: clinical testing. Allele origin: germline.

NM_001034853.2(RPGR):c.1007A>G (p.Asn336Ser)

Gene: RPGR (retinitis pigmentosa GTPase regulator; minus strand). Cytogenetic location: Xp11.4.
Variant type: single nucleotide variant.
Coding change: c.1007A>G on transcript NM_001034853.2 (MANE Select); coding-DNA position 1007, A replaced by G.
Protein change: p.Asn336Ser; replaces asparagine 336 with serine.
Molecular consequence: missense variant. On other transcripts: non-coding transcript variant (6).
Genome position (GRCh38, 1-based): chrX:38,301,299, T>C on the plus strand (A>G on the coding strand, the complement: RPGR is on the minus strand). VCF-style: chrX-38301299-T-C. GRCh37 (hg19) VCF-style: chrX-38160552-T-C.
Other names: c.1007A>G, p.Asn336Ser (NM_000328.3, NM_001367246.1, NM_001367247.1 and 1 more transcripts); c.1004A>G, p.Asn335Ser (NM_001367245.1, NM_001367249.1, NM_001367250.1); c.1037A>G, p.Asn346Ser (NM_001367248.1); short protein forms N335S, N346S, N336S.
Identifiers: ClinVar variation 2895571 (VCV002895571.4), dbSNP rs2519836369, ClinGen allele CA412740227.